The following is an entry in ClinVar:

NM_182961.4(SYNE1):c.5249del (p.Pro1750fs)

Gene: SYNE1 (spectrin repeat containing nuclear envelope protein 1; minus strand). Cytogenetic location: 6q25.2.
Variant type: Deletion.
Coding change: c.5249del on transcript NM_182961.4 (MANE Select); coding-DNA position 5249, one base deleted (C; older notation c.5249delC).
Protein change: p.Pro1750fs; shifts the reading frame from proline 1750.
Molecular consequence: frameshift variant.
Genome position (GRCh38, 1-based): chr6:152,425,399, G deleted on the plus strand (C on the coding strand, the reverse complement: SYNE1 is on the minus strand); the first of 2 consecutive G bases (chr6:152,425,399-152,425,400); deleting either gives the same sequence. VCF-style (leftmost placement, unchanged base first): chr6-152425398-TG-T. GRCh37 (hg19) VCF-style: chr6-152746533-TG-T.
Other names: c.5270del, p.Pro1757fs (NM_033071.5); short protein forms P1750fs, P1757fs.
Identifiers: ClinVar variation 3571468 (VCV003571468.1).

ClinVar aggregate classification (germline): Likely pathogenic (1 of 4 stars; one submission).

Submission:

Athena Diagnostics
Classification: Likely pathogenic. Last evaluated: 2023-11-21. Review status: criteria provided, single submitter. Criteria: Athena Diagnostics Criteria. Collection method: clinical testing. Allele origin: unknown.
Comment: This variant is expected to result in the loss of a functional protein. This variant has not been reported in large, multi-ethnic general populations.